The following is an entry in ClinVar:

NM_017654.4(SAMD9):c.295C>T (p.Gln99Ter)

Gene: SAMD9 (sterile alpha motif domain containing 9; minus strand). Cytogenetic location: 7q21.2.
Variant type: single nucleotide variant.
Coding change: c.295C>T on transcript NM_017654.4 (MANE Select); coding-DNA position 295, C replaced by T.
Protein change: p.Gln99Ter; replaces glutamine 99 with a stop codon.
Molecular consequence: nonsense.
Genome position (GRCh38, 1-based): chr7:93,105,803, G>A on the plus strand (C>T on the coding strand, the complement: SAMD9 is on the minus strand). VCF-style: chr7-93105803-G-A. GRCh37 (hg19) VCF-style: chr7-92735116-G-A.
Other names: c.295C>T, p.Gln99Ter (NM_001193307.2); short protein forms Q99*.
Identifiers: ClinVar variation 3346664 (VCV003346664.1).

ClinVar aggregate classification (germline): Uncertain significance (0 of 4 stars; one submission).

Conditions:
SAMD9-related disorder. Also called: SAMD9-related condition.

gnomAD v4.1: 1 of 1,614,048 alleles (0.000062%); highest among the groups gnomAD compares: Non-Finnish European, 0.000085%; no homozygotes.

Submission:

PreventionGenetics, part of Exact Sciences
Classification: Uncertain significance for SAMD9-related condition. Last evaluated: 2024-09-07. Review status: no assertion criteria provided. Collection method: clinical testing. Allele origin: germline.
Comment: The SAMD9 c.295C>T variant is predicted to result in premature protein termination (p.Gln99*). To our knowledge, this variant has not been reported in the literature or in a large population database, indicating this variant is rare. Loss of function is not an established mechanism of SAMD9-related disease. At this time, the clinical significance of this variant is uncertain due to the absence of conclusive functional and genetic evidence.